The following is an entry in ClinVar:

ClinVar aggregate classification (germline): Uncertain significance (1 of 4 stars; one submission).

gnomAD v4.1: 23 of 1,614,180 alleles (0.0014%); highest among the groups gnomAD compares: Non-Finnish European, 0.0016%; no homozygotes.

Submission:

Labcorp Genetics (formerly Invitae), Labcorp
Classification: Uncertain significance. Last evaluated: 2025-11-06. Review status: criteria provided, single submitter. Criteria: Invitae Variant Classification Sherloc (09022015). Collection method: clinical testing. Allele origin: germline.
Comment: This sequence change replaces arginine, which is basic and polar, with serine, which is neutral and polar, at codon 994 of the TCF20 protein (p.Arg994Ser). This variant is present in population databases (no rsID available, gnomAD 0.002%). This variant has not been reported in the literature in individuals affected with TCF20-related conditions. An algorithm developed to predict the effect of missense changes on protein structure and function (PolyPhen-2) suggests that this variant is likely to be disruptive. In summary, the available evidence is currently insufficient to determine the role of this variant in disease. Therefore, it has been classified as a Variant of Uncertain Significance.

NM_001378418.1(TCF20):c.2982A>C (p.Arg994Ser)

Gene: TCF20 (transcription factor 20; minus strand). Cytogenetic location: 22q13.2.
Variant type: single nucleotide variant.
Coding change: c.2982A>C on transcript NM_001378418.1 (MANE Select); coding-DNA position 2982, A replaced by C.
Protein change: p.Arg994Ser; replaces arginine 994 with serine.
Molecular consequence: missense variant.
Genome position (GRCh38, 1-based): chr22:42,212,324, T>G on the plus strand (A>C on the coding strand, the complement: TCF20 is on the minus strand). VCF-style: chr22-42212324-T-G. GRCh37 (hg19) VCF-style: chr22-42608330-T-G.
Other names: c.2982A>C, p.Arg994Ser (NM_005650.4, NM_181492.3); short protein forms R994S.
Identifiers: ClinVar variation 4749543 (VCV004749543.1).